The following is an entry in ClinVar:

NM_005245.4(FAT1):c.12036G>A (p.Thr4012=)

Gene: FAT1 (FAT atypical cadherin 1; minus strand). Cytogenetic location: 4q35.2.
Variant type: single nucleotide variant.
Coding change: c.12036G>A on transcript NM_005245.4 (MANE Select); coding-DNA position 12036, G replaced by A.
Protein change: p.Thr4012=; no amino-acid change (threonine 4012 retained).
Molecular consequence: synonymous variant.
Genome position (GRCh38, 1-based): chr4:186,599,965, C>T on the plus strand (G>A on the coding strand, the complement: FAT1 is on the minus strand). VCF-style: chr4-186599965-C-T. GRCh37 (hg19) VCF-style: chr4-187521119-C-T.
Identifiers: ClinVar variation 718852 (VCV000718852.14), dbSNP rs201650505, ClinGen allele CA3164965.

ClinVar aggregate classification (germline): Benign/Likely benign. Review status: criteria provided, multiple submitters, no conflicts (2 of 4 stars). 3 submissions from 3 submitters: Benign (2); Likely benign (1). Last evaluated 2026-01-18.

Allele frequency attached by ClinVar (database versions not stated): ESP Exome Variant Server 0.00008; 1000 Genomes Project 0.00020; gnomAD 0.00029 and 0.00031; 1000 Genomes Project 30x 0.00031; TOPMed 0.00083; ExAC 0.00182; gnomAD exomes 0.00201.
gnomAD v4.1: 601 of 1,613,952 alleles (0.037%); highest among the groups gnomAD compares: Admixed American, 0.95%; 8 homozygotes.

Submissions (3):

Labcorp Genetics (formerly Invitae), Labcorp
Classification: Benign. Last evaluated: 2026-01-18. Review status: criteria provided, single submitter. Criteria: Invitae Variant Classification Sherloc (09022015). Collection method: clinical testing. Allele origin: germline.

CeGaT Center for Human Genetics Tuebingen
Classification: Likely benign. Last evaluated: 2026-01-01. Review status: criteria provided, single submitter. Criteria: CeGaT Center For Human Genetics Tuebingen Variant Classification Criteria Version 2. Collection method: clinical testing. Allele origin: germline. Affected: yes. Observed: 1 variant allele.
Comment: FAT1: BP4, BP7

Breakthrough Genomics
Classification: Benign. Review status: criteria provided, single submitter. Criteria: ACMG Guidelines, 2015. Collection method: not provided. Allele origin: germline. Inheritance: Unknown mechanism. Affected: yes.